The following is an entry in ClinVar:

NM_020812.4(DOCK6):c.2511C>T (p.His837=)

Gene: DOCK6 (dedicator of cytokinesis 6; minus strand). Cytogenetic location: 19p13.2.
Variant type: single nucleotide variant.
Coding change: c.2511C>T on transcript NM_020812.4 (MANE Select); coding-DNA position 2511, C replaced by T.
Protein change: p.His837=; no amino-acid change (histidine 837 retained).
Molecular consequence: synonymous variant.
Genome position (GRCh38, 1-based): chr19:11,235,641, G>A on the plus strand (C>T on the coding strand, the complement: DOCK6 is on the minus strand). VCF-style: chr19-11235641-G-A. GRCh37 (hg19) VCF-style: chr19-11346317-G-A.
Other names: c.2511C>T, p.His837= (NM_001367830.1).
Identifiers: ClinVar variation 2649321 (VCV002649321.26), dbSNP rs1004752566, ClinGen allele CA305331077.

ClinVar aggregate classification (germline): Likely benign. Review status: criteria provided, multiple submitters, no conflicts (2 of 4 stars). 2 submissions from 2 submitters: Likely benign (2). Last evaluated 2024-08-12.

Allele frequency attached by ClinVar (database versions not stated): gnomAD 0.00002; TOPMed 0.00002.
gnomAD v4.1: 26 of 1,603,652 alleles (0.0016%); highest among the groups gnomAD compares: Middle Eastern, 0.016%; no homozygotes.

Submissions (2):

Labcorp Genetics (formerly Invitae), Labcorp
Classification: Likely benign. Last evaluated: 2024-08-12. Review status: criteria provided, single submitter. Criteria: Invitae Variant Classification Sherloc (09022015). Collection method: clinical testing. Allele origin: germline.

CeGaT Center for Human Genetics Tuebingen
Classification: Likely benign. Last evaluated: 2023-03-01. Review status: criteria provided, single submitter. Criteria: CeGaT Center For Human Genetics Tuebingen Variant Classification Criteria Version 2. Collection method: clinical testing. Allele origin: germline. Affected: yes. Observed: 1 variant allele.
Comment: DOCK6: BP4, BP7